The following is an entry in ClinVar:

NM_170601.5(SIAE):c.467C>T (p.Ser156Phe)

Gene: SIAE (sialic acid acetylesterase; minus strand). Cytogenetic location: 11q24.2.
Variant type: single nucleotide variant.
Coding change: c.467C>T on transcript NM_170601.5 (MANE Select); coding-DNA position 467, C replaced by T.
Protein change: p.Ser156Phe; replaces serine 156 with phenylalanine.
Molecular consequence: missense variant.
Genome position (GRCh38, 1-based): chr11:124,654,732, G>A on the plus strand (C>T on the coding strand, the complement: SIAE is on the minus strand). VCF-style: chr11-124654732-G-A. GRCh37 (hg19) VCF-style: chr11-124524628-G-A.
Other names: c.362C>T, p.Ser121Phe (NM_001199922.2); short protein forms S121F, S156F.
Identifiers: ClinVar variation 2792715 (VCV002792715.3), dbSNP rs1943070886, ClinGen allele CA383153733.

ClinVar aggregate classification (germline): Uncertain significance (1 of 4 stars; one submission).

Allele frequency attached by ClinVar (database versions not stated): gnomAD exomes 0.00001.
gnomAD v4.1: 3 of 1,614,158 alleles (0.00019%); highest among the groups gnomAD compares: East Asian, 0.0067%; no homozygotes.

Submission:

Labcorp Genetics (formerly Invitae), Labcorp
Classification: Uncertain significance. Last evaluated: 2023-12-28. Review status: criteria provided, single submitter. Criteria: Invitae Variant Classification Sherloc (09022015). Collection method: clinical testing. Allele origin: germline.
Comment: This sequence change replaces serine, which is neutral and polar, with phenylalanine, which is neutral and non-polar, at codon 156 of the SIAE protein (p.Ser156Phe). This variant is not present in population databases (gnomAD no frequency). This variant has not been reported in the literature in individuals affected with SIAE-related conditions. An algorithm developed to predict the effect of missense changes on protein structure and function (PolyPhen-2) suggests that this variant is likely to be disruptive. In summary, the available evidence is currently insufficient to determine the role of this variant in disease. Therefore, it has been classified as a Variant of Uncertain Significance.